The following is an entry in ClinVar:

ClinVar aggregate classification (germline): Uncertain significance (1 of 4 stars; one submission).

Submission:

Labcorp Genetics (formerly Invitae), Labcorp
Classification: Uncertain significance. Last evaluated: 2024-12-22. Review status: criteria provided, single submitter. Criteria: Invitae Variant Classification Sherloc (09022015). Collection method: clinical testing. Allele origin: germline.
Comment: This sequence change replaces serine, which is neutral and polar, with alanine, which is neutral and non-polar, at codon 660 of the NYNRIN protein (p.Ser660Ala). This variant is present in population databases (rs371964335, gnomAD 0.007%). This variant has not been reported in the literature in individuals affected with NYNRIN-related conditions. Experimental studies and prediction algorithms are not available or were not evaluated, and the functional significance of this variant is currently unknown. In summary, the available evidence is currently insufficient to determine the role of this variant in disease. Therefore, it has been classified as a Variant of Uncertain Significance.

NM_025081.3(NYNRIN):c.1978T>G (p.Ser660Ala)

Gene: NYNRIN (NYN domain and retroviral integrase containing; plus strand). Cytogenetic location: 14q12.
Variant type: single nucleotide variant.
Coding change: c.1978T>G on transcript NM_025081.3 (MANE Select); coding-DNA position 1978, T replaced by G.
Protein change: p.Ser660Ala; replaces serine 660 with alanine.
Molecular consequence: missense variant.
Genome position (GRCh38, 1-based): chr14:24,409,772, T>G. VCF-style: chr14-24409772-T-G. GRCh37 (hg19) VCF-style: chr14-24878978-T-G.
Other names: short protein forms S660A.
Identifiers: ClinVar variation 3631441 (VCV003631441.2).